The following is an entry in ClinVar:

NM_020937.4(FANCM):c.5864A>T (p.Lys1955Met)

Gene: FANCM (FA complementation group M; plus strand). Cytogenetic location: 14q21.2.
Variant type: single nucleotide variant.
Coding change: c.5864A>T on transcript NM_020937.4 (MANE Select); coding-DNA position 5864, A replaced by T.
Protein change: p.Lys1955Met; replaces lysine 1955 with methionine.
Molecular consequence: missense variant.
Genome position (GRCh38, 1-based): chr14:45,198,791, A>T. VCF-style: chr14-45198791-A-T. GRCh37 (hg19) VCF-style: chr14-45667994-A-T.
Other names: c.5864A>T (NM_020937.3); c.5786A>T, p.Lys1929Met (NM_001308133.2); short protein forms K1929M, K1955M.
Identifiers: ClinVar variation 2200801 (VCV002200801.6), dbSNP rs1250414854, ClinGen allele CA389587114.

ClinVar aggregate classification (germline): Uncertain significance. Review status: criteria provided, multiple submitters, no conflicts (2 of 4 stars). 3 submissions from 3 submitters: Uncertain significance (3). Last evaluated 2025-10-22.

Conditions:
Fanconi anemia (FA). Also called: Fanconi's anemia. Identifiers: Orphanet 84, MedGen C0015625, MeSH D005199, MONDO:0019391.
Inborn genetic diseases. Identifiers: MedGen C0950123, MeSH D030342.

Allele frequency attached by ClinVar (database versions not stated): gnomAD 0.00001.
gnomAD v4.1: 12 of 1,613,982 alleles (0.00074%); highest among the groups gnomAD compares: Non-Finnish European, 0.001%; no homozygotes.

Submissions (3):

Ambry Genetics
Classification: Uncertain significance for Inborn genetic diseases. Last evaluated: 2025-10-22. Review status: criteria provided, single submitter. Criteria: Ambry Variant Classification Scheme 2023. Collection method: clinical testing. Allele origin: germline.
Comment: The p.K1955M variant (also known as c.5864A>T), located in coding exon 22 of the FANCM gene, results from an A to T substitution at nucleotide position 5864. The lysine at codon 1955 is replaced by methionine, an amino acid with similar properties. This amino acid position is conserved. In addition, the in silico prediction for this alteration is inconclusive. Based on the available evidence, the clinical significance of this variant remains unclear.

Quest Diagnostics Nichols Institute San Juan Capistrano
Classification: Uncertain significance. Last evaluated: 2024-09-30. Review status: criteria provided, single submitter. Criteria: Quest Diagnostics criteria. Collection method: clinical testing. Allele origin: unknown.
Comment: The FANCM c.5864A>T (p.Lys1955Met) variant has not been reported in individuals with FANCM-related conditions in the published literature. The frequency of this variant in the general population, 0.000032 (1/31410 chromosomes (Genome Aggregation Database)), is uninformative in the assessment of its pathogenicity. Analysis of this variant using bioinformatics tools for the prediction of the effect of amino acid changes on protein structure and function yielded conflicting predictions that this variant is benign or damaging. Based on the available information, we are unable to determine the clinical significance of this variant.

Labcorp Genetics (formerly Invitae), Labcorp
Classification: Uncertain significance for Fanconi anemia. Last evaluated: 2024-08-19. Review status: criteria provided, single submitter. Criteria: Invitae Variant Classification Sherloc (09022015). Collection method: clinical testing. Allele origin: germline.
Comment: This sequence change replaces lysine, which is basic and polar, with methionine, which is neutral and non-polar, at codon 1955 of the FANCM protein (p.Lys1955Met). This variant is present in population databases (no rsID available, gnomAD 0.007%). This variant has not been reported in the literature in individuals affected with FANCM-related conditions. ClinVar contains an entry for this variant (Variation ID: 2200801). An algorithm developed to predict the effect of missense changes on protein structure and function (PolyPhen-2) suggests that this variant is likely to be disruptive. In summary, the available evidence is currently insufficient to determine the role of this variant in disease. Therefore, it has been classified as a Variant of Uncertain Significance.